The following is an entry in ClinVar:

NM_001376.5(DYNC1H1):c.8485G>T (p.Ala2829Ser)

Gene: DYNC1H1 (dynein cytoplasmic 1 heavy chain 1; plus strand). Cytogenetic location: 14q32.31.
Variant type: single nucleotide variant.
Coding change: c.8485G>T on transcript NM_001376.5 (MANE Select); coding-DNA position 8485, G replaced by T.
Protein change: p.Ala2829Ser; replaces alanine 2829 with serine.
Molecular consequence: missense variant.
Genome position (GRCh38, 1-based): chr14:102,020,034, G>T. VCF-style: chr14-102020034-G-T. GRCh37 (hg19) VCF-style: chr14-102486371-G-T.
Other names: short protein forms A2829S.
Identifiers: ClinVar variation 2126711 (VCV002126711.4), dbSNP rs2503781424, ClinGen allele CA391006924.

ClinVar aggregate classification (germline): Uncertain significance (1 of 4 stars; one submission).

Conditions:
Charcot-Marie-Tooth disease axonal type 2O. Also called: CHARCOT-MARIE-TOOTH NEUROPATHY, AXONAL, TYPE 2O; CHARCOT-MARIE-TOOTH DISEASE, AXONAL, AUTOSOMAL DOMINANT, TYPE 2O; Charcot-Marie-Tooth disease, axonal, type 20; Charcot-Marie-Tooth Neuropathy Type 2O. Identifiers: Orphanet 284232, MedGen C3280220, MONDO:0013644, OMIM 614228.

Submission:

Labcorp Genetics (formerly Invitae), Labcorp
Classification: Uncertain significance for Charcot-Marie-Tooth disease axonal type 2O. Last evaluated: 2024-02-12. Review status: criteria provided, single submitter. Criteria: Invitae Variant Classification Sherloc (09022015). Collection method: clinical testing. Allele origin: germline.
Comment: This sequence change replaces alanine, which is neutral and non-polar, with serine, which is neutral and polar, at codon 2829 of the DYNC1H1 protein (p.Ala2829Ser). This variant is not present in population databases (gnomAD no frequency). This variant has not been reported in the literature in individuals affected with DYNC1H1-related conditions. ClinVar contains an entry for this variant (Variation ID: 2126711). Advanced modeling of protein sequence and biophysical properties (such as structural, functional, and spatial information, amino acid conservation, physicochemical variation, residue mobility, and thermodynamic stability) has been performed at Invitae for this missense variant, however the output from this modeling did not meet the statistical confidence thresholds required to predict the impact of this variant on DYNC1H1 protein function. In summary, the available evidence is currently insufficient to determine the role of this variant in disease. Therefore, it has been classified as a Variant of Uncertain Significance.